The following is an entry in ClinVar:

ClinVar aggregate classification (germline): Uncertain significance. Review status: criteria provided, multiple submitters, no conflicts (2 of 4 stars). 2 submissions from 2 submitters: Uncertain significance (2). Last evaluated 2024-03-06.

Conditions:
Marfan syndrome (MFS). Also called: Marfan syndrome, classic; Marfan syndrome type 1; Marfan's syndrome; FBN1-Related Marfan Syndrome; MARFAN SYNDROME, TYPE I. Identifiers: Orphanet 284963, Orphanet 558, MedGen C0024796, MONDO:0007947, OMIM 154700.
Familial thoracic aortic aneurysm and aortic dissection (TAAD). Also called: Thoracic aortic aneurysms and dissections. Identifiers: Orphanet 91387, MedGen C4707243, MONDO:0019625.

Submissions (2):

Color Diagnostics, LLC DBA Color Health
Classification: Uncertain significance for Familial thoracic aortic aneurysm and aortic dissection. Last evaluated: 2024-03-06. Review status: criteria provided, single submitter. Criteria: ACMG Guidelines, 2015. Collection method: clinical testing. Allele origin: germline.
Comment: This missense variant replaces aspartic acid with glutamic acid at codon 1516 of the FBN1 protein. Computational prediction suggests that this variant may have deleterious impact on protein structure and function (internally defined REVEL score threshold >= 0.7, PMID: 27666373). To our knowledge, functional studies have not been reported for this variant. This variant has not been reported in individuals affected with FBN1-related disorders in the literature. This variant has not been identified in the general population by the Genome Aggregation Database (gnomAD). The available evidence is insufficient to determine the role of this variant in disease conclusively. Therefore, this variant is classified as a Variant of Uncertain Significance.

All of Us Research Program, National Institutes of Health
Classification: Uncertain significance for Marfan syndrome. Last evaluated: 2023-07-19. Review status: criteria provided, single submitter. Criteria: ACMG Guidelines, 2015. Collection method: clinical testing. Allele origin: germline. Inheritance: Autosomal dominant inheritance. Observed: 1 variant allele, 1 heterozygote.
Comment: This missense variant replaces aspartic acid with glutamic acid at codon 1516 of the FBN1 protein. Computational prediction tool suggests that this variant may have deleterious impact on protein structure and function (internally defined REVEL score threshold >=0.7, PMID: 27666373). Splice site prediction tools suggest that this variant may not impact RNA splicing. To our knowledge, functional studies have not been performed for this variant. This variant has not been reported in individuals affected with cardiovascular disorders in the literature. This variant has not been identified in the general population by the Genome Aggregation Database (gnomAD). The available evidence is insufficient to determine the role of this variant in disease conclusively. Therefore, this variant is classified as a Variant of Uncertain Significance.

This study involves interpretation of variants in research participants for the purpose of population health screening. Participant phenotype was not available at the time of variant classification. Additional details can be found in publication PMID: 35346344, PMCID: PMC8962531

NM_000138.5(FBN1):c.4548T>G (p.Asp1516Glu)

Gene: FBN1 (fibrillin 1; minus strand). Cytogenetic location: 15q21.1.
Variant type: single nucleotide variant.
Coding change: c.4548T>G on transcript NM_000138.5 (MANE Select); coding-DNA position 4548, T replaced by G.
Protein change: p.Asp1516Glu; replaces aspartic acid 1516 with glutamic acid.
Molecular consequence: missense variant.
Genome position (GRCh38, 1-based): chr15:48,468,446, A>C on the plus strand (T>G on the coding strand, the complement: FBN1 is on the minus strand). VCF-style: chr15-48468446-A-C. GRCh37 (hg19) VCF-style: chr15-48760643-A-C.
Other names: short protein forms D1516E.
Identifiers: ClinVar variation 928275 (VCV000928275.6), dbSNP rs2043340843, ClinGen allele CA392353435.